The following is an entry in ClinVar:

NM_000532.5(PCCB):c.527A>G (p.Tyr176Cys)

Gene: PCCB (propionyl-CoA carboxylase subunit beta; plus strand). Cytogenetic location: 3q22.3.
Variant type: single nucleotide variant.
Coding change: c.527A>G on transcript NM_000532.5 (MANE Select); coding-DNA position 527, A replaced by G.
Protein change: p.Tyr176Cys; replaces tyrosine 176 with cysteine.
Molecular consequence: missense variant.
Genome position (GRCh38, 1-based): chr3:136,262,049, A>G. VCF-style: chr3-136262049-A-G. GRCh37 (hg19) VCF-style: chr3-135980891-A-G.
Other names: c.587A>G, p.Tyr196Cys (NM_001178014.2); short protein forms Y196C, Y176C.
Identifiers: ClinVar variation 2154348 (VCV002154348.1), dbSNP rs1248950807, ClinGen allele CA354739967.
Genomic context (GRCh38, chr3:136,262,049, plus strand): 5'-TTGGGCTGAATGACTCTGGGGGAGCACGGATCCAAGAAGGAGTGGAGTCTTTGGCTGGCT[A>G]TGCAGACATCTTTCTGGTGAGAAACCTGTTAATAGAGAATAAAAAAATACAGGGCTTAAG-3'
Protein context (NP_000523.2, residues 166-186): IQEGVESLAG[Tyr176Cys]ADIFLRNVTA

ClinVar aggregate classification (germline): Uncertain significance (1 of 4 stars; one submission).

Conditions:
Propionic acidemia (PROP). Also called: GLYCINEMIA, KETOTIC; HYPERGLYCINEMIA WITH KETOACIDOSIS AND LEUKOPENIA; KETOTIC HYPERGLYCINEMIA. Identifiers: Orphanet 35, MedGen C0268579, MONDO:0011628, OMIM 606054, HP:0003571.

Allele frequency attached by ClinVar (database versions not stated): gnomAD 0.00001; gnomAD exomes 0.00002; TOPMed 0.00002.
gnomAD v4.1: 22 of 1,552,804 alleles (0.0014%); highest among the groups gnomAD compares: East Asian, 0.017%; no homozygotes.

Submission:

Labcorp Genetics (formerly Invitae), Labcorp
Classification: Uncertain significance for Propionic acidemia. Last evaluated: 2022-06-02. Review status: criteria provided, single submitter. Criteria: Invitae Variant Classification Sherloc (09022015). Collection method: clinical testing. Allele origin: germline.
Comment: This sequence change replaces tyrosine, which is neutral and polar, with cysteine, which is neutral and slightly polar, at codon 176 of the PCCB protein (p.Tyr176Cys). This variant is not present in population databases (gnomAD no frequency). This variant has not been reported in the literature in individuals affected with PCCB-related conditions. Advanced modeling of protein sequence and biophysical properties (such as structural, functional, and spatial information, amino acid conservation, physicochemical variation, residue mobility, and thermodynamic stability) performed at Invitae indicates that this missense variant is expected to disrupt PCCB protein function. In summary, the available evidence is currently insufficient to determine the role of this variant in disease. Therefore, it has been classified as a Variant of Uncertain Significance.